The following is an entry in ClinVar:

NM_001353345.2(SETD1B):c.3737G>T (p.Arg1246Leu)

Gene: SETD1B (SET domain containing 1B, histone lysine methyltransferase; plus strand). Cytogenetic location: 12q24.31.
Variant type: single nucleotide variant.
Coding change: c.3737G>T on transcript NM_001353345.2 (MANE Select); coding-DNA position 3737, G replaced by T.
Protein change: p.Arg1246Leu; replaces arginine 1246 with leucine.
Molecular consequence: missense variant.
Genome position (GRCh38, 1-based): chr12:121,819,722, G>T. VCF-style: chr12-121819722-G-T. GRCh37 (hg19) VCF-style: chr12-122257628-G-T.
Other names: NM_015048.1:c.3608G>T; short protein forms R1246L.
Identifiers: ClinVar variation 1342590 (VCV001342590.8), dbSNP rs907823002, ClinGen allele CA244653530.

ClinVar aggregate classification (germline): Conflicting classifications of pathogenicity. Review status: criteria provided, conflicting classifications (1 of 4 stars). 3 submissions from 3 submitters: Uncertain significance (2); Benign (1). Last evaluated 2026-09-01.

Conditions:
Intellectual developmental disorder with seizures and language delay (IDDSELD). Identifiers: MedGen C5436574, MONDO:0033559, OMIM 619000.
Inborn genetic diseases. Identifiers: MedGen C0950123, MeSH D030342.

gnomAD v4.1: 76 of 1,551,026 alleles (0.0049%); highest among the groups gnomAD compares: Admixed American, 0.15%; no homozygotes.

Submissions (3):

CeGaT Center for Human Genetics Tuebingen
Classification: Benign. Last evaluated: 2026-09-01. Review status: criteria provided, single submitter. Criteria: CeGaT Center For Human Genetics Tuebingen Variant Classification Criteria Version 2. Collection method: clinical testing. Allele origin: germline. Affected: yes. Observed: 3 variant alleles.
Comment: SETD1B: BP4, BS1, BS2

Ambry Genetics
Classification: Uncertain significance for Inborn genetic diseases. Last evaluated: 2021-06-30. Review status: criteria provided, single submitter. Criteria: Ambry Variant Classification Scheme 2023. Collection method: clinical testing. Allele origin: germline.

New York Genome Center
Classification: Uncertain significance for Intellectual developmental disorder with seizures and language delay. Last evaluated: 2021-04-23. Review status: criteria provided, single submitter. Criteria: NYGC Assertion Criteria 2020. Collection method: clinical testing. Allele origin: germline. Observed: 1 heterozygote. Study: CSER-NYCKidSeq.